The following is an entry in ClinVar:

ClinVar aggregate classification (germline): Uncertain significance (1 of 4 stars; one submission).

Conditions:
Malignant hyperthermia, susceptibility to, 1 (MHS1). Also called: Anesthesia related hyperthermia; Malignant hyperpyrexia; Fulminating hyperpyrexia; Pharmacogenic myopathy; RYR1-Related Malignant Hyperthermia Susceptibility; Malignant hyperthermia suceptibility 1. Identifiers: Orphanet 423, MedGen C2930980, MONDO:0007783, OMIM 145600.

Submission:

All of Us Research Program, National Institutes of Health
Classification: Uncertain significance for Malignant hyperthermia, susceptibility to, 1. Last evaluated: 2023-05-30. Review status: criteria provided, single submitter. Criteria: ACMG Guidelines, 2015. Collection method: clinical testing. Allele origin: germline. Inheritance: Autosomal dominant inheritance. Observed: 1 variant allele, 1 heterozygote.
Comment: This variant deletes 4 nucleotides in exon 74 of the RYR1 gene, creating a frameshift and premature translation stop signal. This variant is expected to result in an absent or non-functional protein product. To our knowledge, this variant has not been reported in individuals affected with RYR1-related disorders in the literature. This variant has not been identified in the general population by the Genome Aggregation Database (gnomAD). Loss of RYR1 function due to haploinsufficiency is not an established disease mechanism for autosomal dominant malignant hyperthermia, although it is associated with other phenotype(s). Due to insufficient evidence, this variant is classified as a Variant of Uncertain Significance for autosomal dominant malignant hyperthermia.

This study involves interpretation of variants in research participants for the purpose of population health screening. Participant phenotype was not available at the time of variant classification. Additional details can be found in publication PMID: 35346344, PMCID: PMC8962531

NM_000540.3(RYR1):c.10927_10930del (p.Asn3643fs)

Gene: RYR1 (ryanodine receptor 1; plus strand). Cytogenetic location: 19q13.2.
Variant type: Deletion.
Coding change: c.10927_10930del on transcript NM_000540.3 (MANE Select); coding-DNA positions 10927 to 10930, 4 bases deleted (AACC; older notation c.10927_10930delAACC).
Protein change: p.Asn3643fs; shifts the reading frame from asparagine 3643.
Molecular consequence: frameshift variant.
Genome position (GRCh38, 1-based): chr19:38,528,408-38,528,411, AACC deleted; deleting any 4 consecutive bases within chr19:38,528,407-38,528,411 gives the same sequence; the c. name uses the placement nearest the transcript's 3' end. VCF-style (leftmost placement, unchanged base first): chr19-38528406-ACAAC-A. GRCh37 (hg19) VCF-style: chr19-39019046-ACAAC-A.
Other names: c.10912_10915del, p.Asn3638fs (NM_001042723.2); short protein forms N3638fs, N3643fs.
Identifiers: ClinVar variation 3071307 (VCV003071307.1), dbSNP rs2514494992, ClinGen allele CA2825002799.